The following is an entry in ClinVar:

NM_152743.4(BRAT1):c.1770+6A>T

Gene: BRAT1 (BRCA1 associated ATM activator 1; minus strand). Cytogenetic location: 7p22.3.
Variant type: single nucleotide variant.
Coding change: c.1770+6A>T on transcript NM_152743.4 (MANE Select); 6 bases into the intron after coding-DNA position 1770, A replaced by T.
Molecular consequence: intron variant.
Genome position (GRCh38, 1-based): chr7:2,539,173, T>A on the plus strand (A>T on the coding strand, the complement: BRAT1 is on the minus strand). VCF-style: chr7-2539173-T-A. GRCh37 (hg19) VCF-style: chr7-2578807-T-A.
Other names: c.1245+6A>T (NM_001350627.2); c.1770+6A>T (NM_001350626.2).
Identifiers: ClinVar variation 972171 (VCV000972171.7), dbSNP rs372315248, ClinGen allele CA4127600.

ClinVar aggregate classification (germline): Uncertain significance (1 of 4 stars; one submission).

Conditions:
Neonatal-onset encephalopathy with rigidity and seizures. Also called: Lethal neonatal spasticity-epileptic encephalopathy syndrome. Identifiers: Orphanet 435845, MedGen C3281029, MONDO:0013784, OMIM 614498.

Allele frequency attached by ClinVar (database versions not stated): gnomAD exomes 0.00001 and 0.00002; ExAC 0.00003; gnomAD 0.00005; TOPMed 0.00005; ESP Exome Variant Server 0.00015; 1000 Genomes Project 30x 0.00016; 1000 Genomes Project 0.00020.
gnomAD v4.1: 17 of 1,590,488 alleles (0.0011%); highest among the groups gnomAD compares: African/African-American, 0.019%; no homozygotes.

Submission:

Labcorp Genetics (formerly Invitae), Labcorp
Classification: Uncertain significance for Neonatal-onset encephalopathy with rigidity and seizures. Last evaluated: 2022-07-05. Review status: criteria provided, single submitter. Criteria: Invitae Variant Classification Sherloc (09022015). Collection method: clinical testing. Allele origin: germline.
Comment: This sequence change falls in intron 13 of the BRAT1 gene. It does not directly change the encoded amino acid sequence of the BRAT1 protein. It affects a nucleotide within the consensus splice site. This variant is present in population databases (rs372315248, gnomAD 0.02%). This variant has not been reported in the literature in individuals affected with BRAT1-related conditions. ClinVar contains an entry for this variant (Variation ID: 972171). Variants that disrupt the consensus splice site are a relatively common cause of aberrant splicing (PMID: 17576681, 9536098). Algorithms developed to predict the effect of sequence changes on RNA splicing suggest that this variant is not likely to affect RNA splicing. In summary, the available evidence is currently insufficient to determine the role of this variant in disease. Therefore, it has been classified as a Variant of Uncertain Significance.

Literature cited by the submitters: PubMed 17576681; PubMed 9536098.